The following is an entry in ClinVar:

NM_015102.5(NPHP4):c.2277C>T (p.Leu759=)

Gene: NPHP4 (nephrocystin 4; minus strand). Cytogenetic location: 1p36.31.
Variant type: single nucleotide variant.
Coding change: c.2277C>T on transcript NM_015102.5 (MANE Select); coding-DNA position 2277, C replaced by T.
Protein change: p.Leu759=; no amino-acid change (leucine 759 retained).
Molecular consequence: synonymous variant. On other transcripts: non-coding transcript variant (1).
Genome position (GRCh38, 1-based): chr1:5,890,895, G>A on the plus strand (C>T on the coding strand, the complement: NPHP4 is on the minus strand). VCF-style: chr1-5890895-G-A. GRCh37 (hg19) VCF-style: chr1-5950955-G-A.
Other names: c.2277C>T (NM_015102.4); c.738C>T, p.Leu246= (NM_001291593.2); c.741C>T, p.Leu247= (NM_001291594.2).
Identifiers: ClinVar variation 2057535 (VCV002057535.5), dbSNP rs144463562, ClinGen allele CA554215.

ClinVar aggregate classification (germline): Likely benign. Review status: criteria provided, multiple submitters, no conflicts (2 of 4 stars). 2 submissions from 2 submitters: Likely benign (2). Last evaluated 2026-04-15.

Conditions:
NPHP4-related disorder. Also called: NPHP4-related condition; NPHP4-related disorders. Identifiers: MedGen CN239384.
Nephronophthisis. Also called: Juvenile Nephronophthisis. Identifiers: Orphanet 655, MedGen C0687120, MONDO:0019005, HP:0000090.

Allele frequency attached by ClinVar (database versions not stated): gnomAD exomes 0.00001; ExAC 0.00002; TOPMed 0.00002; gnomAD 0.00003; 1000 Genomes Project 30x 0.00031; 1000 Genomes Project 0.00040.
gnomAD v4.1: 25 of 1,610,646 alleles (0.0016%); highest among the groups gnomAD compares: African/African-American, 0.023%; no homozygotes.

Submissions (2):

PreventionGenetics, part of Exact Sciences
Classification: Likely benign for NPHP4-related condition. Last evaluated: 2026-04-15. Review status: criteria provided, single submitter. Criteria: ACMG Guidelines, 2015. Collection method: clinical testing. Allele origin: germline.
Comment: This variant is classified as likely benign based on ACMG/AMP sequence variant interpretation guidelines (Richards et al. 2015 PMID: 25741868, with internal and published modifications).

Labcorp Genetics (formerly Invitae), Labcorp
Classification: Likely benign for Nephronophthisis. Last evaluated: 2024-11-16. Review status: criteria provided, single submitter. Criteria: Invitae Variant Classification Sherloc (09022015). Collection method: clinical testing. Allele origin: germline.